The following is an entry in ClinVar:

NM_001377299.1(NDUFS2):c.730A>T (p.Ile244Phe)

Gene: NDUFS2 (NADH:ubiquinone oxidoreductase core subunit S2; plus strand). Cytogenetic location: 1q23.3.
Variant type: single nucleotide variant.
Coding change: c.730A>T on transcript NM_001377299.1 (MANE Select); coding-DNA position 730, A replaced by T.
Protein change: p.Ile244Phe; replaces isoleucine 244 with phenylalanine.
Molecular consequence: missense variant. On other transcripts: non-coding transcript variant (1).
Genome position (GRCh38, 1-based): chr1:161,210,138, A>T. VCF-style: chr1-161210138-A-T. GRCh37 (hg19) VCF-style: chr1-161179928-A-T.
Other names: c.730A>T, p.Ile244Phe (NM_001166159.2, NM_001377298.1, NM_001377300.1 and 3 more transcripts); short protein forms I244F.
Identifiers: ClinVar variation 2080182 (VCV002080182.4), dbSNP rs2102047781, ClinGen allele CA343380157.

ClinVar aggregate classification (germline): Uncertain significance (1 of 4 stars; one submission).

Submission:

Labcorp Genetics (formerly Invitae), Labcorp
Classification: Uncertain significance. Last evaluated: 2022-01-17. Review status: criteria provided, single submitter. Criteria: Invitae Variant Classification Sherloc (09022015). Collection method: clinical testing. Allele origin: germline.
Comment: In summary, the available evidence is currently insufficient to determine the role of this variant in disease. Therefore, it has been classified as a Variant of Uncertain Significance. Algorithms developed to predict the effect of missense changes on protein structure and function are either unavailable or do not agree on the potential impact of this missense change (SIFT: "Tolerated"; PolyPhen-2: "Probably Damaging"; Align-GVGD: "Class C0"). This variant has not been reported in the literature in individuals affected with NDUFS2-related conditions. This variant is not present in population databases (gnomAD no frequency). This sequence change replaces isoleucine, which is neutral and non-polar, with phenylalanine, which is neutral and non-polar, at codon 244 of the NDUFS2 protein (p.Ile244Phe).